The following is an entry in ClinVar:

NM_001267550.2(TTN):c.2842-176_2842-172del

Gene: TTN (titin; minus strand). Cytogenetic location: 2q31.2.
Variant type: Deletion.
Coding change: c.2842-176_2842-172del on transcript NM_001267550.2 (MANE Select); 176 bases into the intron before coding-DNA position 2842 through 172 bases into the intron before coding-DNA position 2842, 5 bases deleted (ATATA; older notation c.2842-176_2842-172delATATA).
Molecular consequence: intron variant.
Genome position (GRCh38, 1-based): chr2:178,783,236-178,783,240, TATAT deleted on the plus strand (ATATA on the coding strand, the reverse complement: TTN is on the minus strand); deleting any 5 consecutive bases within chr2:178,783,236-178,783,242 gives the same sequence; the c. name uses the placement nearest the transcript's 3' end. VCF-style (leftmost placement, unchanged base first): chr2-178783235-ATATAT-A. GRCh37 (hg19) VCF-style: chr2-179647962-ATATAT-A.
Other names: c.2704-176_2704-172del (NM_003319.4, NM_133437.4, NM_133432.3); c.2842-176_2842-172del (NM_133378.4, NM_001256850.1, NM_133379.5); c.2842-176_2842-172delATATA (NM_001256850.1).
Identifiers: ClinVar variation 672046 (VCV000672046.1), dbSNP rs67143080, ClinGen allele CA60981329.

ClinVar aggregate classification (germline): Benign (1 of 4 stars; one submission).

Submission:

GeneDx
Classification: Benign. Last evaluated: 2018-06-14. Review status: criteria provided, single submitter. Criteria: GeneDx Variant Classification (06012015). Collection method: clinical testing. Allele origin: germline. Affected: yes.
Comment: This variant is considered likely benign or benign based on one or more of the following criteria: it is a conservative change, it occurs at a poorly conserved position in the protein, it is predicted to be benign by multiple in silico algorithms, and/or has population frequency not consistent with disease.